The following is an entry in ClinVar:

NM_006623.4(PHGDH):c.1442T>C (p.Met481Thr)

Gene: PHGDH (phosphoglycerate dehydrogenase; plus strand). Cytogenetic location: 1p12.
Variant type: single nucleotide variant.
Coding change: c.1442T>C on transcript NM_006623.4 (MANE Select); coding-DNA position 1442, T replaced by C.
Protein change: p.Met481Thr; replaces methionine 481 with threonine.
Molecular consequence: missense variant.
Genome position (GRCh38, 1-based): chr1:119,743,039, T>C. VCF-style: chr1-119743039-T-C. GRCh37 (hg19) VCF-style: chr1-120285662-T-C.
Other names: c.1442T>C (NM_006623.3); short protein forms M481T.
Identifiers: ClinVar variation 2140068 (VCV002140068.2), dbSNP rs1290555457, ClinGen allele CA341854012.

ClinVar aggregate classification (germline): Uncertain significance. Review status: criteria provided, multiple submitters, no conflicts (2 of 4 stars). 2 submissions from 2 submitters: Uncertain significance (2). Last evaluated 2025-09-05.

Conditions:
Inborn genetic diseases. Identifiers: MedGen C0950123, MeSH D030342.
PHGDH deficiency. Identifiers: Orphanet 79351, MedGen C1866174, MONDO:0011152, OMIM 601815.

Allele frequency attached by ClinVar (database versions not stated): gnomAD exomes below 0.00001; TOPMed below 0.00001.

Submissions (2):

Ambry Genetics
Classification: Uncertain significance for Inborn genetic diseases. Last evaluated: 2025-09-05. Review status: criteria provided, single submitter. Criteria: Ambry Variant Classification Scheme 2023. Collection method: clinical testing. Allele origin: germline.

Labcorp Genetics (formerly Invitae), Labcorp
Classification: Uncertain significance for PHGDH deficiency. Last evaluated: 2022-07-09. Review status: criteria provided, single submitter. Criteria: Invitae Variant Classification Sherloc (09022015). Collection method: clinical testing. Allele origin: germline.
Comment: This sequence change replaces methionine, which is neutral and non-polar, with threonine, which is neutral and polar, at codon 481 of the PHGDH protein (p.Met481Thr). This variant is present in population databases (no rsID available, gnomAD 0.006%). This variant has not been reported in the literature in individuals affected with PHGDH-related conditions. Algorithms developed to predict the effect of missense changes on protein structure and function output the following: SIFT: "Deleterious"; PolyPhen-2: "Benign"; Align-GVGD: "Class C0". The threonine amino acid residue is found in multiple mammalian species, which suggests that this missense change does not adversely affect protein function. In summary, the available evidence is currently insufficient to determine the role of this variant in disease. Therefore, it has been classified as a Variant of Uncertain Significance.